The following is an entry in ClinVar:

NM_001174147.2(LMX1B):c.*748C>T

Gene: LMX1B (LIM homeobox transcription factor 1 beta; plus strand). Cytogenetic location: 9q33.3.
Variant type: single nucleotide variant.
Coding change: c.*748C>T on transcript NM_001174147.2 (MANE Select); 748 bases downstream of the stop codon, C replaced by T.
Molecular consequence: 3 prime UTR variant.
Genome position (GRCh38, 1-based): chr9:126,697,199, C>T. VCF-style: chr9-126697199-C-T. GRCh37 (hg19) VCF-style: chr9-129459478-C-T.
Other names: c.*748C>T (NM_001174146.2, NM_002316.4).
Identifiers: ClinVar variation 364913 (VCV000364913.6), dbSNP rs10987414, ClinGen allele CA10632432.

ClinVar aggregate classification (germline): Benign. Review status: criteria provided, multiple submitters, no conflicts (2 of 4 stars). 2 submissions from 2 submitters: Benign (2). Last evaluated 2018-01-13.

Conditions:
Nail-patella syndrome (NPS). Also called: FONG DISEASE; ONYCHOOSTEODYSPLASIA; TURNER-KIESER SYNDROME. Identifiers: Orphanet 2614, MedGen C0027341, MONDO:0008061, OMIM 161200.

Allele frequency attached by ClinVar (database versions not stated): 1000 Genomes Project 30x 0.22986; 1000 Genomes Project 0.23403; TOPMed 0.25292; gnomAD 0.25765 and 0.26057; gnomAD exomes 0.25769.

Submissions (2):

Illumina Laboratory Services, Illumina
Classification: Benign for Nail-patella syndrome. Last evaluated: 2018-01-13. Review status: criteria provided, single submitter. Criteria: ICSL Variant Classification Criteria 13 December 2019. Collection method: clinical testing. Allele origin: germline.
Comment: This variant was observed in the ICSL laboratory as part of a predisposition screen in an ostensibly healthy population. It had not been previously curated by ICSL or reported in the Human Gene Mutation Database (HGMD: prior to June 1st, 2018), and was therefore a candidate for classification through an automated scoring system. Utilizing variant allele frequency, disease prevalence and penetrance estimates, and inheritance mode, an automated score was calculated to assess if this variant is too frequent to cause the disease. Based on the score and internal cut-off values, a variant classified as benign is not then subjected to further curation. The score for this variant resulted in a classification of benign for this disease.

Breakthrough Genomics
Classification: Benign. Review status: criteria provided, single submitter. Criteria: ACMG Guidelines, 2015. Collection method: not provided. Allele origin: germline. Inheritance: Autosomal dominant inheritance. Affected: yes.